The following is an entry in ClinVar:

NM_004341.5(CAD):c.4564-1G>T

Gene: CAD (carbamoyl-phosphate synthetase 2, aspartate transcarbamylase, and dihydroorotase; plus strand). Cytogenetic location: 2p23.3.
Variant type: single nucleotide variant.
Coding change: c.4564-1G>T on transcript NM_004341.5 (MANE Select); the canonical splice acceptor site of the intron before coding-DNA position 4564, G replaced by T.
Molecular consequence: splice acceptor variant.
Genome position (GRCh38, 1-based): chr2:27,237,717, G>T. VCF-style: chr2-27237717-G-T. GRCh37 (hg19) VCF-style: chr2-27460585-G-T.
Other names: c.4375-1G>T (NM_001306079.2).
Identifiers: ClinVar variation 2065201 (VCV002065201.4), dbSNP rs2465346727, ClinGen allele CA346220285.

ClinVar aggregate classification (germline): Likely pathogenic (1 of 4 stars; one submission).

Submission:

Labcorp Genetics (formerly Invitae), Labcorp
Classification: Likely pathogenic. Last evaluated: 2021-12-29. Review status: criteria provided, single submitter. Criteria: Invitae Variant Classification Sherloc (09022015). Collection method: clinical testing. Allele origin: germline.
Comment: In summary, the currently available evidence indicates that the variant is pathogenic, but additional data are needed to prove that conclusively. Therefore, this variant has been classified as Likely Pathogenic. Algorithms developed to predict the effect of sequence changes on RNA splicing suggest that this variant may disrupt the consensus splice site. This variant has not been reported in the literature in individuals affected with CAD-related conditions. This variant is not present in population databases (gnomAD no frequency). This sequence change affects an acceptor splice site in intron 28 of the CAD gene. It is expected to disrupt RNA splicing. Variants that disrupt the donor or acceptor splice site typically lead to a loss of protein function (PMID: 16199547), and loss-of-function variants in CAD are known to be pathogenic (PMID: 28007989, 32117025, 32820246, 33497533).

Literature cited by the submitters: PubMed 16199547; PubMed 28007989; PubMed 32117025; PubMed 32820246; PubMed 33497533.